The following is an entry in ClinVar:

ClinVar aggregate classification (germline): Likely benign (1 of 4 stars; one submission).

Conditions:
ATP8B1-related disorder. Also called: ATP8B1-related disorders; ATP8B1-related condition.

gnomAD v4.1: 2 of 1,604,708 alleles (0.00012%); highest among the groups gnomAD compares: Admixed American, 0.0034%; no homozygotes.

Submission:

PreventionGenetics, part of Exact Sciences
Classification: Likely benign for ATP8B1-related condition. Last evaluated: 2024-11-12. Review status: criteria provided, single submitter. Criteria: ACMG Guidelines, 2015. Collection method: clinical testing. Allele origin: germline.
Comment: This variant is classified as likely benign based on ACMG/AMP sequence variant interpretation guidelines (Richards et al. 2015 PMID: 25741868, with internal and published modifications).

NM_001374385.1(ATP8B1):c.2145A>G (p.Pro715=)

Genes: ATP8B1 (ATPase phospholipid transporting 8B1; minus strand), ATP8B1-AS1 (ATP8B1 antisense RNA 1; plus strand). Cytogenetic location: 18q21.31.
Variant type: single nucleotide variant.
Coding change: c.2145A>G on transcript NM_001374385.1 (MANE Select); coding-DNA position 2145, A replaced by G.
Protein change: p.Pro715=; no amino-acid change (proline 715 retained).
Molecular consequence: synonymous variant. On other transcripts: non-coding transcript variant (1).
Genome position (GRCh38, 1-based): chr18:57,668,493, T>C on the plus strand (A>G on the coding strand, the complement: ATP8B1 is on the minus strand). VCF-style: chr18-57668493-T-C. GRCh37 (hg19) VCF-style: chr18-55335725-T-C.
Other names: c.1995A>G, p.Pro665= (NM_001374386.1); c.2145A>G, p.Pro715= (NM_005603.6).
Identifiers: ClinVar variation 4987550 (VCV004987550.1).